The following is an entry in ClinVar:

NM_000535.7(PMS2):c.1944T>C (p.Phe648=)

Gene: PMS2 (PMS1 homolog 2, mismatch repair system component; minus strand). Cytogenetic location: 7p22.1.
Variant type: single nucleotide variant.
Coding change: c.1944T>C on transcript NM_000535.7 (MANE Select); coding-DNA position 1944, T replaced by C.
Protein change: p.Phe648=; no amino-acid change (phenylalanine 648 retained).
Molecular consequence: synonymous variant. On other transcripts: non-coding transcript variant (1).
Genome position (GRCh38, 1-based): chr7:5,986,821, A>G on the plus strand (T>C on the coding strand, the complement: PMS2 is on the minus strand). VCF-style: chr7-5986821-A-G. GRCh37 (hg19) VCF-style: chr7-6026452-A-G.
Other names: c.1539T>C, p.Phe513= (NM_001322003.2, NM_001322004.2, NM_001322005.2 and 1 more transcripts); c.1788T>C, p.Phe596= (NM_001322006.2); c.1626T>C, p.Phe542= (NM_001322007.2, NM_001322008.2); c.1383T>C, p.Phe461= (NM_001322010.2); c.1011T>C, p.Phe337= (NM_001322011.2, NM_001322012.2); c.1371T>C, p.Phe457= (NM_001322013.2); c.1944T>C, p.Phe648= (NM_001322014.2); c.1635T>C, p.Phe545= (NM_001322015.2).
Identifiers: ClinVar variation 183780 (VCV000183780.26), dbSNP rs144011908, ClinGen allele CA010535.
Genomic context (GRCh38, chr7:5,986,821, plus strand): 5'-TATCTCTTTTCTTAGTTCATCTTCGGCTGCTTGATTTTCTCCAGGACAAATCTTTGCCCT[A>G]AACTTCCTGTAATTCTGTTCCCCTTCACTTTGCTGTGCTTCATGATGTAACTGCTTTATT-3'
Protein context (NP_000526.2, residues 638-658): QSEGEQNYRK[Phe648=]RAKICPGENQ

ClinVar aggregate classification (germline): Benign/Likely benign. Review status: criteria provided, multiple submitters, no conflicts (2 of 4 stars). 10 submissions from 10 submitters: Benign (2); Likely benign (8). Last evaluated 2026-01-17.

Conditions:
Mismatch repair cancer syndrome 4. Identifiers: MedGen C5436817, MONDO:0030843, OMIM 619101.
Hereditary nonpolyposis colorectal neoplasms. Identifiers: MedGen C0009405, MeSH D003123.
Hereditary cancer-predisposing syndrome. Also called: Tumor predisposition; Neoplastic Syndromes, Hereditary; Hereditary neoplastic syndrome; Hereditary Cancer Syndrome. Identifiers: Orphanet 140162, MedGen C0027672, MeSH D009386, MONDO:0015356.
Lynch syndrome. Identifiers: Orphanet 144, MedGen C4552100, MONDO:0005835. Disease mechanism: loss of function.
Lynch syndrome 4 (LYNCH4). Also called: Colorectal cancer, hereditary nonpolyposis, type 4; Hereditary non-polyposis colorectal cancer, type 4. Identifiers: Orphanet 144, MedGen C1838333, MONDO:0013699, OMIM 614337. Disease mechanism: loss of function.

Allele frequency attached by ClinVar (database versions not stated): gnomAD exomes 0.00002 and 0.00005; ExAC 0.00006; gnomAD 0.00013 and 0.00015; ESP Exome Variant Server 0.00015; 1000 Genomes Project 30x 0.00016; TOPMed 0.00018.
gnomAD v4.1: 47 of 1,613,290 alleles (0.0029%); highest among the groups gnomAD compares: African/African-American, 0.063%; no homozygotes.

Submissions (10):

Labcorp Genetics (formerly Invitae), Labcorp
Classification: Likely benign for Hereditary nonpolyposis colorectal neoplasms. Last evaluated: 2026-01-17. Review status: criteria provided, single submitter. Criteria: Invitae Variant Classification Sherloc (09022015). Collection method: clinical testing. Allele origin: germline.

Myriad Genetics, Inc.
Classification: Benign for Lynch syndrome 4. Last evaluated: 2025-01-31. Review status: criteria provided, single submitter. Criteria: Myriad Autosomal Dominant, Autosomal Recessive and X-Linked Classification Criteria (2023). Collection method: clinical testing. Allele origin: unknown.
Comment: This variant is considered benign. This variant is a silent/synonymous amino acid change and it is not expected to impact splicing.

Blueprint Genetics
Classification: Likely benign. Last evaluated: 2024-06-05. Review status: criteria provided, single submitter. Criteria: ACMG Guidelines, 2015. Collection method: clinical testing. Allele origin: germline.

All of Us Research Program, National Institutes of Health
Classification: Likely benign for Lynch syndrome. Last evaluated: 2024-01-08. Review status: criteria provided, single submitter. Criteria: ACMG Guidelines, 2015. Collection method: clinical testing. Allele origin: germline. Inheritance: Autosomal dominant inheritance. Observed: 9 variant alleles, 9 heterozygotes.
Comment: This study involves interpretation of variants in research participants for the purpose of population health screening. Participant phenotype was not available at the time of variant classification. Additional details can be found in publication PMID: 35346344, PMCID: PMC8962531

Sema4
Classification: Likely benign for Hereditary cancer-predisposing syndrome. Last evaluated: 2022-02-22. Review status: criteria provided, single submitter. Criteria: Sema4 Curation Guidelines. Collection method: curation. Allele origin: germline.

Women's Health and Genetics/Laboratory Corporation of America, LabCorp
Classification: Likely benign. Last evaluated: 2020-12-24. Review status: criteria provided, single submitter. Criteria: LabCorp Variant Classification Summary - May 2015. Collection method: clinical testing. Allele origin: germline.

Department of Pathology and Laboratory Medicine, Sinai Health System
Classification: Likely benign for Mismatch repair cancer syndrome 4. Last evaluated: 2020-01-31. Review status: criteria provided, single submitter. Criteria: ACMG Guidelines, 2015. Collection method: clinical testing. Allele origin: germline. Affected: yes.

Color Diagnostics, LLC DBA Color Health
Classification: Likely benign for Hereditary cancer-predisposing syndrome. Last evaluated: 2016-04-29. Review status: criteria provided, single submitter. Criteria: ACMG Guidelines, 2015. Collection method: clinical testing. Allele origin: germline.

Ambry Genetics
Classification: Likely benign for Hereditary cancer-predisposing syndrome. Last evaluated: 2015-03-06. Review status: criteria provided, single submitter. Criteria: Ambry Variant Classification Scheme 2023. Collection method: clinical testing. Allele origin: germline.

GeneDx
Classification: Benign. Last evaluated: 2015-03-03. Review status: criteria provided, single submitter. Criteria: GeneDx Variant Classification Process June 2021. Collection method: clinical testing. Allele origin: germline. Affected: yes.